The following is an entry in ClinVar:

NM_000548.5(TSC2):c.1653C>T (p.Ala551=)

Gene: TSC2 (TSC complex subunit 2; plus strand). Cytogenetic location: 16p13.3.
Variant type: single nucleotide variant.
Coding change: c.1653C>T on transcript NM_000548.5 (MANE Select); coding-DNA position 1653, C replaced by T.
Protein change: p.Ala551=; no amino-acid change (alanine 551 retained).
Molecular consequence: synonymous variant.
Genome position (GRCh38, 1-based): chr16:2,065,572, C>T. VCF-style: chr16-2065572-C-T. GRCh37 (hg19) VCF-style: chr16-2115573-C-T.
Other names: c.1653C>T, p.Ala551= (NM_001077183.3, NM_001114382.3, NM_001363528.2 and 3 more transcripts); c.1542C>T, p.Ala514= (NM_001318827.2); c.1506C>T, p.Ala502= (NM_001318829.2); c.1053C>T, p.Ala351= (NM_001318831.2); c.1686C>T, p.Ala562= (NM_001318832.2).
Identifiers: ClinVar variation 486599 (VCV000486599.23), dbSNP rs202171361, ClinGen allele CA032016.

ClinVar aggregate classification (germline): Benign/Likely benign. Review status: criteria provided, multiple submitters, no conflicts (2 of 4 stars). 9 submissions from 9 submitters: Benign (2); Likely benign (7). Last evaluated 2026-01-27.

Conditions:
Tuberous sclerosis 2 (TSC2). Identifiers: Orphanet 805, MedGen C1860707, MONDO:0013199, OMIM 613254.
Tuberous sclerosis syndrome (TSC). Also called: Tuberous Sclerosis Complex; Tuberous sclerosis. Identifiers: Orphanet 805, MedGen C0041341, MONDO:0001734.
Hereditary cancer-predisposing syndrome. Also called: Tumor predisposition; Hereditary Cancer Syndrome; Neoplastic Syndromes, Hereditary; Hereditary neoplastic syndrome. Identifiers: Orphanet 140162, MedGen C0027672, MeSH D009386, MONDO:0015356.

Allele frequency attached by ClinVar (database versions not stated): gnomAD 0.00001; TOPMed 0.00005; 1000 Genomes Project 30x 0.00031.
gnomAD v4.1: 27 of 1,613,876 alleles (0.0017%); highest among the groups gnomAD compares: East Asian, 0.0022%; no homozygotes.

Submissions (9):

Labcorp Genetics (formerly Invitae), Labcorp
Classification: Likely benign for Tuberous sclerosis 2. Last evaluated: 2026-01-27. Review status: criteria provided, single submitter. Criteria: Invitae Variant Classification Sherloc (09022015). Collection method: clinical testing. Allele origin: germline.

Myriad Genetics, Inc.
Classification: Benign for Tuberous sclerosis 2. Last evaluated: 2025-05-15. Review status: criteria provided, single submitter. Criteria: Myriad Autosomal Dominant, Autosomal Recessive and X-Linked Classification Criteria (2023). Collection method: clinical testing. Allele origin: unknown.
Comment: This variant is considered benign. This variant is a silent/synonymous amino acid change and it is not expected to impact splicing.

Blueprint Genetics
Classification: Likely benign. Last evaluated: 2024-10-16. Review status: criteria provided, single submitter. Criteria: ACMG Guidelines, 2015. Collection method: clinical testing. Allele origin: germline.

All of Us Research Program, National Institutes of Health
Classification: Likely benign for Tuberous sclerosis syndrome. Last evaluated: 2023-10-02. Review status: criteria provided, single submitter. Criteria: ACMG Guidelines, 2015. Collection method: clinical testing. Allele origin: germline. Inheritance: Autosomal dominant inheritance. Observed: 5 variant alleles, 5 heterozygotes.
Comment: This study involves interpretation of variants in research participants for the purpose of population health screening. Participant phenotype was not available at the time of variant classification. Additional details can be found in publication PMID: 35346344, PMCID: PMC8962531

Color Diagnostics, LLC DBA Color Health
Classification: Likely benign for Tuberous sclerosis syndrome. Last evaluated: 2022-09-21. Review status: criteria provided, single submitter. Criteria: ACMG Guidelines, 2015. Collection method: clinical testing. Allele origin: germline.

Genome-Nilou Lab
Classification: Benign for Tuberous sclerosis 2. Last evaluated: 2021-11-07. Review status: criteria provided, single submitter. Criteria: ACMG Guidelines, 2015. Collection method: clinical testing. Allele origin: germline. Affected: no.

Sema4
Classification: Likely benign for Hereditary cancer-predisposing syndrome. Last evaluated: 2021-09-07. Review status: criteria provided, single submitter. Criteria: Sema4 Curation Guidelines. Collection method: curation. Allele origin: germline.

GeneDx
Classification: Likely benign. Last evaluated: 2020-08-05. Review status: criteria provided, single submitter. Criteria: GeneDx Variant Classification Process June 2021. Collection method: clinical testing. Allele origin: germline. Affected: yes.

Ambry Genetics
Classification: Likely benign for Hereditary cancer-predisposing syndrome. Last evaluated: 2016-06-02. Review status: criteria provided, single submitter. Criteria: Ambry Variant Classification Scheme 2023. Collection method: clinical testing. Allele origin: germline.